The following is an entry in ClinVar:

ClinVar aggregate classification (germline): Uncertain significance (1 of 4 stars; one submission).

Conditions:
MYH9-related disorder. Identifiers: MedGen C1854520.

gnomAD v4.1: 43 of 1,613,880 alleles (0.0027%); highest among the groups gnomAD compares: Non-Finnish European, 0.0036%; no homozygotes.

Submission:

PreventionGenetics, part of Exact Sciences
Classification: Uncertain significance for MYH9-related condition. Last evaluated: 2025-05-20. Review status: criteria provided, single submitter. Criteria: ACMG Guidelines, 2015. Collection method: clinical testing. Allele origin: germline.
Comment: The MYH9 c.5852C>T variant is predicted to result in the amino acid substitution p.Ala1951Val. To our knowledge, this variant has not been reported in the literature. This variant is reported in 0.0029% of alleles in individuals of Latino descent in gnomAD. At this time, the clinical significance of this variant is uncertain due to the absence of conclusive functional and genetic evidence.

NM_002473.6(MYH9):c.5852C>T (p.Ala1951Val)

Gene: MYH9 (myosin heavy chain 9; minus strand). Cytogenetic location: 22q12.3.
Variant type: single nucleotide variant.
Coding change: c.5852C>T on transcript NM_002473.6 (MANE Select); coding-DNA position 5852, C replaced by T.
Protein change: p.Ala1951Val; replaces alanine 1951 with valine.
Molecular consequence: missense variant.
Genome position (GRCh38, 1-based): chr22:36,282,699, G>A on the plus strand (C>T on the coding strand, the complement: MYH9 is on the minus strand). VCF-style: chr22-36282699-G-A. GRCh37 (hg19) VCF-style: chr22-36678745-G-A.
Other names: short protein forms A1951V.
Identifiers: ClinVar variation 4977985 (VCV004977985.1).
Genomic context (GRCh38, chr22:36,282,699, plus strand): 5'-CATCCATCTCAGGCTGCAGGAGAAGAGGCTTATTCGGCAGGTTTGGCCTCAGCCCCATCC[G>A]CTTTGCCATCTACCTCTTCGTCGGAGCCATCCCCGGCGCCTTTCCGGGCCATTCGGCGGG-3'
Protein context (NP_002464.1, residues 1941-1960): DGSDEEVDGK[Ala1951Val]DGAEAKPAE